The following is an entry in ClinVar:

NM_006231.4(POLE):c.6398T>G (p.Val2133Gly)

Gene: POLE (DNA polymerase epsilon, catalytic subunit; minus strand). Cytogenetic location: 12q24.33.
Variant type: single nucleotide variant.
Coding change: c.6398T>G on transcript NM_006231.4 (MANE Select); coding-DNA position 6398, T replaced by G.
Protein change: p.Val2133Gly; replaces valine 2133 with glycine.
Molecular consequence: missense variant.
Genome position (GRCh38, 1-based): chr12:132,626,250, A>C on the plus strand (T>G on the coding strand, the complement: POLE is on the minus strand). VCF-style: chr12-132626250-A-C. GRCh37 (hg19) VCF-style: chr12-133202836-A-C.
Other names: short protein forms V2133G.
Identifiers: ClinVar variation 2447912 (VCV002447912.2), dbSNP rs1336525905, ClinGen allele CA387367696.

ClinVar aggregate classification (germline): Uncertain significance (1 of 4 stars; one submission).

Conditions:
Hereditary cancer-predisposing syndrome. Also called: Neoplastic Syndromes, Hereditary; Hereditary Cancer Syndrome; Tumor predisposition; Hereditary neoplastic syndrome. Identifiers: Orphanet 140162, MedGen C0027672, MeSH D009386, MONDO:0015356.

Submission:

Ambry Genetics
Classification: Uncertain significance for Hereditary cancer-predisposing syndrome. Last evaluated: 2022-11-05. Review status: criteria provided, single submitter. Criteria: Ambry Variant Classification Scheme 2023. Collection method: clinical testing. Allele origin: germline.
Comment: The p.V2133G variant (also known as c.6398T>G), located in coding exon 46 of the POLE gene, results from a T to G substitution at nucleotide position 6398. The valine at codon 2133 is replaced by glycine, an amino acid with dissimilar properties. This amino acid position is conserved. In addition, the in silico prediction for this alteration is inconclusive. Since supporting evidence is limited at this time, the clinical significance of this alteration remains unclear.